The following is an entry in ClinVar:

ClinVar aggregate classification (germline): Likely pathogenic (1 of 4 stars; one submission).

Conditions:
Inborn genetic diseases. Identifiers: MedGen C0950123, MeSH D030342.

Submission:

Ambry Genetics
Classification: Likely pathogenic for Inborn genetic diseases. Last evaluated: 2022-09-28. Review status: criteria provided, single submitter. Criteria: Ambry Variant Classification Scheme 2023. Collection method: clinical testing. Allele origin: germline.
Comment: The c.512T>G (p.V171G) alteration is located in exon 1 (coding exon 1) of the KRT9 gene. This alteration results from a T to G substitution at nucleotide position 512, causing the valine (V) at amino acid position 171 to be replaced by a glycine (G). This variant was not reported in population-based cohorts in the Genome Aggregation Database (gnomAD). This amino acid position is highly conserved in available vertebrate species. This alteration is predicted to be deleterious by in silico analysis. Based on the available evidence, this alteration is classified as likely pathogenic.

NM_000226.4(KRT9):c.512T>G (p.Val171Gly)

Gene: KRT9 (keratin 9; minus strand). Cytogenetic location: 17q21.2.
Variant type: single nucleotide variant.
Coding change: c.512T>G on transcript NM_000226.4 (MANE Select); coding-DNA position 512, T replaced by G.
Protein change: p.Val171Gly; replaces valine 171 with glycine.
Molecular consequence: missense variant.
Genome position (GRCh38, 1-based): chr17:41,571,481, A>C on the plus strand (T>G on the coding strand, the complement: KRT9 is on the minus strand). VCF-style: chr17-41571481-A-C. GRCh37 (hg19) VCF-style: chr17-39727733-A-C.
Other names: short protein forms V171G.
Identifiers: ClinVar variation 2308244 (VCV002308244.2), dbSNP rs1597794572, ClinGen allele CA399500750.
Genomic context (GRCh38, chr17:41,571,481, plus strand): 5'-TTGTCGTACCAATCCTGGATCTTATTCTCCAGGTCGTTGTTGGCCTCCTCTAGAGCCTGC[A>C]CCTTATCCAAGTAAGAGGCCAGCCGAGAATTGAGTTCCTGCATGGTGCTCTTCTCATTAG-3'
Protein context (NP_000217.2, residues 161-181): NSRLASYLDK[Val171Gly]QALEEANNDL